The following is an entry in ClinVar:

ClinVar aggregate classification (germline): Pathogenic/Likely pathogenic. Review status: criteria provided, multiple submitters, no conflicts (2 of 4 stars). 3 submissions from 3 submitters: Pathogenic (1); Likely pathogenic (1). 1 of the submissions does not count toward it. Last evaluated 2024-06-20.

Conditions:
Polyglandular autoimmune syndrome, type 1 (APS1). Also called: AUTOIMMUNE POLYENDOCRINE SYNDROME, TYPE I, WITH OR WITHOUT REVERSIBLE METAPHYSEAL DYSPLASIA; APS I; HYPOADRENOCORTICISM WITH HYPOPARATHYROIDISM AND SUPERFICIAL MONILIASIS; PGA I; Autoimmune polyendocrine syndrome type 1; Whitaker syndrome. Identifiers: Orphanet 3453, MedGen C0085859, MONDO:0009411, OMIM 240300.

Allele frequency attached by ClinVar (database versions not stated): gnomAD exomes below 0.00001; TOPMed below 0.00001.
gnomAD v4.1: 1 of 1,611,172 alleles (0.000062%); highest among the groups gnomAD compares: Non-Finnish European, 0.000085%; no homozygotes.

Submissions (3):

Natera, Inc.
Classification: Likely pathogenic for Polyglandular autoimmune syndrome type 1. Last evaluated: 2024-06-20. Review status: criteria provided, single submitter. Criteria: Natera Variant Classification Schema (03/2026). Collection method: clinical testing. Allele origin: germline.
Comment: The c.157G>T variant in AIRE is a nonsense variant predicted to introduce a stop codon at amino acid 53. This variant is expected to result in nonsense mediated decay, truncation, or a dysfunctional protein product. This variant is rare in the general population with a frequency below the threshold expected for the associated phenotype(s). Given the available evidence, this variant is classified as Likely Pathogenic.

Labcorp Genetics (formerly Invitae), Labcorp
Classification: Pathogenic for Polyglandular autoimmune syndrome, type 1. Last evaluated: 2023-02-25. Review status: criteria provided, single submitter. Criteria: Invitae Variant Classification Sherloc (09022015). Collection method: clinical testing. Allele origin: germline.
Comment: For these reasons, this variant has been classified as Pathogenic. ClinVar contains an entry for this variant (Variation ID: 370150). This variant has not been reported in the literature in individuals affected with AIRE-related conditions. This variant is present in population databases (no rsID available, gnomAD 0.0009%). This sequence change creates a premature translational stop signal (p.Glu53*) in the AIRE gene. It is expected to result in an absent or disrupted protein product. Loss-of-function variants in AIRE are known to be pathogenic (PMID: 11524731, 26141571).

Counsyl
Classification: Likely pathogenic for Polyglandular autoimmune syndrome, type 1. Last evaluated: 2015-12-14. Review status: no assertion criteria provided. Collection method: clinical testing. Allele origin: unknown. Not counted in ClinVar's aggregate classification.

Literature cited by the submitters: PubMed 11524731 (cited by Labcorp Genetics (formerly Invitae), Labcorp); PubMed 26141571 (cited by Labcorp Genetics (formerly Invitae), Labcorp).

NM_000383.4(AIRE):c.157G>T (p.Glu53Ter)

Gene: AIRE (autoimmune regulator; plus strand). Cytogenetic location: 21q22.3.
Variant type: single nucleotide variant.
Coding change: c.157G>T on transcript NM_000383.4 (MANE Select); coding-DNA position 157, G replaced by T.
Protein change: p.Glu53Ter; replaces glutamic acid 53 with a stop codon.
Molecular consequence: nonsense.
Genome position (GRCh38, 1-based): chr21:44,286,581, G>T. VCF-style: chr21-44286581-G-T. GRCh37 (hg19) VCF-style: chr21-45706464-G-T.
Other names: short protein forms E53*.
Identifiers: ClinVar variation 370150 (VCV000370150.7), dbSNP rs1057516272, ClinGen allele CA16042011.